The following is an entry in ClinVar:

NM_024577.4(SH3TC2):c.3054-2A>G

Gene: SH3TC2 (SH3 domain and tetratricopeptide repeats 2; minus strand). Cytogenetic location: 5q32.
Variant type: single nucleotide variant.
Coding change: c.3054-2A>G on transcript NM_024577.4 (MANE Select); the canonical splice acceptor site of the intron before coding-DNA position 3054, A replaced by G.
Molecular consequence: splice acceptor variant.
Genome position (GRCh38, 1-based): chr5:149,012,736, T>C on the plus strand (A>G on the coding strand, the complement: SH3TC2 is on the minus strand). VCF-style: chr5-149012736-T-C. GRCh37 (hg19) VCF-style: chr5-148392299-T-C.
Identifiers: ClinVar variation 2736812 (VCV002736812.3), dbSNP rs1580891465, ClinGen allele CA361663185.
Genomic context (GRCh38, chr5:149,012,736, plus strand): 5'-CCAGGTCAATGAAGATACGCAGGCTCTCCTTGATGCATGTGAGTGACCTCCTGAGGGACC[T>C]GGGGACAGACATGAACTTGTGAGGTGTGAAGGCTCAAAGGGGCCTTAGGGTCCACTCAGC-3'

ClinVar aggregate classification (germline): Pathogenic (1 of 4 stars; one submission).

Conditions:
Charcot-Marie-Tooth disease type 4. Also called: Charcot-Marie-Tooth, Type 4; Charcot-Marie-Tooth disease, type IV. Identifiers: Orphanet 64749, MedGen C4082197, MONDO:0018995.

Submission:

Labcorp Genetics (formerly Invitae), Labcorp
Classification: Pathogenic for Charcot-Marie-Tooth disease type 4. Last evaluated: 2024-03-22. Review status: criteria provided, single submitter. Criteria: Invitae Variant Classification Sherloc (09022015). Collection method: clinical testing. Allele origin: germline.
Comment: This sequence change affects an acceptor splice site in intron 12 of the SH3TC2 gene. It is expected to disrupt RNA splicing. Variants that disrupt the donor or acceptor splice site typically lead to a loss of protein function (PMID: 16199547), and loss-of-function variants in SH3TC2 are known to be pathogenic (PMID: 20220177, 27068304). This variant is not present in population databases (gnomAD no frequency). Disruption of this splice site has been observed in individual(s) with clinical features of Charcot-Marie-Tooth disease (Invitae). In at least one individual the data is consistent with being in trans (on the opposite chromosome) from a pathogenic variant. Algorithms developed to predict the effect of sequence changes on RNA splicing suggest that this variant may disrupt the consensus splice site. For these reasons, this variant has been classified as Pathogenic.

Literature cited by the submitters: PubMed 16199547; PubMed 20220177; PubMed 27068304.